The following is an entry in ClinVar:

ClinVar aggregate classification (germline): Benign/Likely benign. Review status: criteria provided, multiple submitters, no conflicts (2 of 4 stars). 4 submissions from 4 submitters: Benign (1); Likely benign (3). Last evaluated 2025-11-06.

Submissions (4):

Labcorp Genetics (formerly Invitae), Labcorp
Classification: Benign. Last evaluated: 2025-11-06. Review status: criteria provided, single submitter. Criteria: Invitae Variant Classification Sherloc (09022015). Collection method: clinical testing. Allele origin: germline.

Women's Health and Genetics/Laboratory Corporation of America, LabCorp
Classification: Likely benign. Last evaluated: 2024-09-05. Review status: criteria provided, single submitter. Criteria: LabCorp Variant Classification Summary - May 2015. Collection method: clinical testing. Allele origin: germline.
Comment: Variant summary: COL11A2 c.2529+13delG alters a non-conserved nucleotide located at a position not widely known to affect splicing. Consensus agreement among computation tools predict no significant impact on normal splicing. However, these predictions have yet to be confirmed by functional studies. The variant allele was found at a frequency of 0.0001 in 251310 control chromosomes, predominantly at a frequency of 0.0014 within the East Asian subpopulation in the gnomAD database. This frequency is not significantly higher than estimated for a pathogenic variant in COL11A2 causing COL11A2-Related Disorders, allowing no conclusion about variant significance. To our knowledge, no occurrence of c.2529+13delG in individuals affected with COL11A2-Related Disorders and no experimental evidence demonstrating its impact on protein function have been reported. ClinVar contains an entry for this variant (Variation ID: 517493). Based on the evidence outlined above, the variant was classified as likely benign.

Blueprint Genetics
Classification: Likely benign. Last evaluated: 2024-06-18. Review status: criteria provided, single submitter. Criteria: ACMG Guidelines, 2015. Collection method: clinical testing. Allele origin: germline.

Laboratory for Molecular Medicine, Mass General Brigham Personalized Medicine
Classification: Likely benign. Last evaluated: 2017-08-22. Review status: criteria provided, single submitter. Criteria: LMM Criteria. Collection method: clinical testing. Allele origin: germline. Observed: 1 variant allele.
Comment: proposed classification - variant undergoing re-assessment, contact laboratory

NM_080680.3(COL11A2):c.2529+13del

Gene: COL11A2 (collagen type XI alpha 2 chain; minus strand). Cytogenetic location: 6p21.32.
Variant type: Deletion.
Coding change: c.2529+13del on transcript NM_080680.3 (MANE Select); 13 bases into the intron after coding-DNA position 2529, one base deleted (G; older notation c.2529+13delG).
Molecular consequence: intron variant.
Genome position (GRCh38, 1-based): chr6:33,173,998, C deleted on the plus strand (G on the coding strand, the reverse complement: COL11A2 is on the minus strand); the first of 4 consecutive C bases (chr6:33,173,998-33,174,001); deleting any one gives the same sequence. VCF-style (leftmost placement, unchanged base first): chr6-33173997-TC-T. GRCh37 (hg19) VCF-style: chr6-33141774-TC-T.
Other names: c.2208+13del (NM_080679.3); c.2271+13del (NM_080681.3); c.2529+13delG (NM_080680.3, NM_080680.2).
Identifiers: ClinVar variation 517493 (VCV000517493.11), dbSNP rs763299239, ClinGen allele CA3750858.